The following is an entry in ClinVar:

ClinVar aggregate classification (germline): Pathogenic (1 of 4 stars; one submission).

Submission:

GeneDx
Classification: Pathogenic. Last evaluated: 2024-07-24. Review status: criteria provided, single submitter. Criteria: GeneDx Variant Classification Process June 2021. Collection method: clinical testing. Allele origin: germline. Affected: yes.
Comment: Apparently de novo variant in a patient with a neurodevelopmental disorder in published literature; however, specific clinical details were not provided (PMID: 33860439); Nonsense variant predicted to result in protein truncation or nonsense mediated decay in a gene for which loss of function is a known mechanism of disease; Not observed at significant frequency in large population cohorts (gnomAD); This variant is associated with the following publications: (PMID: 33860439)

NM_018489.3(ASH1L):c.1450C>T (p.Arg484Ter)

Gene: ASH1L (ASH1 like histone lysine methyltransferase; minus strand). Cytogenetic location: 1q22.
Variant type: single nucleotide variant.
Coding change: c.1450C>T on transcript NM_018489.3 (MANE Select); coding-DNA position 1450, C replaced by T.
Protein change: p.Arg484Ter; replaces arginine 484 with a stop codon.
Molecular consequence: nonsense.
Genome position (GRCh38, 1-based): chr1:155,481,420, G>A on the plus strand (C>T on the coding strand, the complement: ASH1L is on the minus strand). VCF-style: chr1-155481420-G-A. GRCh37 (hg19) VCF-style: chr1-155451211-G-A.
Other names: c.1450C>T, p.Arg484Ter (NM_001366177.2); short protein forms R484*.
Identifiers: ClinVar variation 3600654 (VCV003600654.1).